The following is an entry in ClinVar:

NM_012330.4(KAT6B):c.3589C>T (p.Pro1197Ser)

Gene: KAT6B (lysine acetyltransferase 6B; plus strand). Cytogenetic location: 10q22.2.
Variant type: single nucleotide variant.
Coding change: c.3589C>T on transcript NM_012330.4 (MANE Select); coding-DNA position 3589, C replaced by T.
Protein change: p.Pro1197Ser; replaces proline 1197 with serine.
Molecular consequence: missense variant.
Genome position (GRCh38, 1-based): chr10:75,025,174, C>T. VCF-style: chr10-75025174-C-T. GRCh37 (hg19) VCF-style: chr10-76784932-C-T.
Other names: c.3040C>T, p.Pro1014Ser (NM_001256468.2, NM_001370138.1); c.2713C>T, p.Pro905Ser (NM_001256469.2, NM_001370139.1, NM_001370140.1 and 2 more transcripts); c.2551C>T, p.Pro851Ser (NM_001370132.1); c.1900C>T, p.Pro634Ser (NM_001370133.1); c.1504C>T, p.Pro502Ser (NM_001370134.1); c.1246C>T, p.Pro416Ser (NM_001370135.1); c.3589C>T, p.Pro1197Ser (NM_001370136.1, NM_001370137.1); c.2524C>T, p.Pro842Ser (NM_001370143.1, NM_001370144.1); short protein forms P502S, P1197S, P634S, P905S, P851S, P1014S, P416S, P842S.
Identifiers: ClinVar variation 4977502 (VCV004977502.1).
Genomic context (GRCh38, chr10:75,025,174, plus strand): 5'-GAGATTGAAGTGGAGGAAGATGGCAGGAAGCCAGTCCTGAGAAAAGCATTCCAGCATCAG[C>T]CTGGGAAGAAAAGACAAACAGAGGAAGAGGAAGGAAAAGACAATCATTGCTTCAAGAATG-3'
Protein context (NP_036462.2, residues 1187-1207): PVLRKAFQHQ[Pro1197Ser]GKKRQTEEEE

ClinVar aggregate classification (germline): Uncertain significance (1 of 4 stars; one submission).

Conditions:
KAT6B-related disorder. Also called: KAT6B-related disorders; KAT6B-related condition.

Submission:

PreventionGenetics, part of Exact Sciences
Classification: Uncertain significance for KAT6B-related condition. Last evaluated: 2025-05-06. Review status: criteria provided, single submitter. Criteria: ACMG Guidelines, 2015. Collection method: clinical testing. Allele origin: germline.
Comment: The KAT6B c.3589C>T variant is predicted to result in the amino acid substitution p.Pro1197Ser. To our knowledge, this variant has not been reported in the literature or in a large population database (gnomAD), indicating this variant is rare. At this time, the clinical significance of this variant is uncertain due to the absence of conclusive functional and genetic evidence.